The following is an entry in ClinVar:

ClinVar aggregate classification (germline): Uncertain significance. Review status: criteria provided, multiple submitters, no conflicts (2 of 4 stars). 3 submissions from 3 submitters: Uncertain significance (3). Last evaluated 2026-08-23.

Conditions:
Inborn genetic diseases. Identifiers: MedGen C0950123, MeSH D030342.

Allele frequency attached by ClinVar (database versions not stated): gnomAD 0.00004 and 0.00006; gnomAD exomes 0.00001; TOPMed 0.00008.
gnomAD v4.1: 17 of 1,613,554 alleles (0.0011%); highest among the groups gnomAD compares: African/African-American, 0.016%; no homozygotes.

Submissions (3):

Ambry Genetics
Classification: Uncertain significance for Inborn genetic diseases. Last evaluated: 2026-08-23. Review status: criteria provided, single submitter. Criteria: Ambry Variant Classification Scheme 2023. Collection method: clinical testing. Allele origin: germline.

Women's Health and Genetics/Laboratory Corporation of America, LabCorp
Classification: Uncertain significance. Last evaluated: 2025-11-26. Review status: criteria provided, single submitter. Criteria: LabCorp Variant Classification Summary - May 2015. Collection method: clinical testing. Allele origin: germline.
Comment: Variant summary: OBSL1 c.3548T>C (p.Leu1183Pro) results in a non-conservative amino acid change in the encoded protein sequence. Algorithms developed to predict the effect of missense changes on protein structure and function are either unavailable or do not agree on the potential impact of this missense change. The variant allele was found at a frequency of 1.2e-05 in 246340 control chromosomes. The available data on variant occurrences in the general population are insufficient to allow any conclusion about variant significance. To our knowledge, no occurrence of c.3548T>C in individuals affected with OBSL1-related conditions and no experimental evidence demonstrating its impact on protein function have been reported. ClinVar contains an entry for this variant (Variation ID: 1431956). Based on the evidence outlined above, the variant was classified as uncertain significance.

Labcorp Genetics (formerly Invitae), Labcorp
Classification: Uncertain significance. Last evaluated: 2024-08-12. Review status: criteria provided, single submitter. Criteria: Invitae Variant Classification Sherloc (09022015). Collection method: clinical testing. Allele origin: germline.
Comment: This sequence change replaces leucine, which is neutral and non-polar, with proline, which is neutral and non-polar, at codon 1183 of the OBSL1 protein (p.Leu1183Pro). This variant is present in population databases (no rsID available, gnomAD 0.008%). This variant has not been reported in the literature in individuals affected with OBSL1-related conditions. ClinVar contains an entry for this variant (Variation ID: 1431956). An algorithm developed to predict the effect of missense changes on protein structure and function (PolyPhen-2) suggests that this variant is likely to be disruptive. In summary, the available evidence is currently insufficient to determine the role of this variant in disease. Therefore, it has been classified as a Variant of Uncertain Significance.

NM_015311.3(OBSL1):c.3548T>C (p.Leu1183Pro)

Gene: OBSL1 (obscurin like cytoskeletal adaptor 1; minus strand). Cytogenetic location: 2q35.
Variant type: single nucleotide variant.
Coding change: c.3548T>C on transcript NM_015311.3 (MANE Select); coding-DNA position 3548, T replaced by C.
Protein change: p.Leu1183Pro; replaces leucine 1183 with proline.
Molecular consequence: missense variant.
Genome position (GRCh38, 1-based): chr2:219,558,065, A>G on the plus strand (T>C on the coding strand, the complement: OBSL1 is on the minus strand). VCF-style: chr2-219558065-A-G. GRCh37 (hg19) VCF-style: chr2-220422787-A-G.
Other names: c.3548T>C (NM_015311.2); c.3548T>C, p.Leu1183Pro (NM_001173431.2); short protein forms L1183P.
Identifiers: ClinVar variation 1431956 (VCV001431956.9), dbSNP rs985062387, ClinGen allele CA66028739.